The following is an entry in ClinVar:

ClinVar aggregate classification (germline): Pathogenic (1 of 4 stars; one submission).

Conditions:
Neuronal ceroid lipofuscinosis 13 (CLN13). Also called: CLN13 Disease; CEROID LIPOFUSCINOSIS, NEURONAL, 13 (KUFS TYPE). Identifiers: Orphanet 352709, Orphanet 79262, MedGen C3715049, MONDO:0014147, OMIM 615362.

Submission:

Labcorp Genetics (formerly Invitae), Labcorp
Classification: Pathogenic for Neuronal ceroid lipofuscinosis 13. Last evaluated: 2025-09-08. Review status: criteria provided, single submitter. Criteria: Invitae Variant Classification Sherloc (09022015). Collection method: clinical testing. Allele origin: germline.
Comment: This sequence change creates a premature translational stop signal (p.Lys331Argfs*15) in the CTSF gene. It is expected to result in an absent or disrupted protein product. Loss-of-function variants in CTSF are known to be pathogenic (PMID: 23297359, 25274848). This variant is not present in population databases (gnomAD no frequency). This variant has not been reported in the literature in individuals affected with CTSF-related conditions. ClinVar contains an entry for this variant (Variation ID: 2857442). Algorithms developed to predict the effect of sequence changes on RNA splicing suggest that this variant may disrupt the consensus splice site. For these reasons, this variant has been classified as Pathogenic.

Literature cited by the submitters: PubMed 23297359; PubMed 25274848.

NM_003793.4(CTSF):c.992del (p.Lys331fs)

Gene: CTSF (cathepsin F; minus strand). Cytogenetic location: 11q13.2.
Variant type: Deletion.
Coding change: c.992del on transcript NM_003793.4 (MANE Select); coding-DNA position 992, one base deleted (A; older notation c.992delA).
Protein change: p.Lys331fs; shifts the reading frame from lysine 331.
Molecular consequence: frameshift variant.
Genome position (GRCh38, 1-based): chr11:66,565,724, T deleted on the plus strand (A on the coding strand, the reverse complement: CTSF is on the minus strand); the first of 2 consecutive T bases (chr11:66,565,724-66,565,725); deleting either gives the same sequence. VCF-style (leftmost placement, unchanged base first): chr11-66565723-CT-C. GRCh37 (hg19) VCF-style: chr11-66333194-CT-C.
Other names: short protein forms K331fs.
Identifiers: ClinVar variation 2857442 (VCV002857442.3), dbSNP rs2495276170, ClinGen allele CA2614512647.
Genomic context (GRCh38, chr11:66,565,723, plus strand): 5'-ATGCATACCCAAATTCTTTATGGCCGAGTAGGCATTGGAGGGCAAGCCGCCCATGCAGGC[CT>C]TGTCCATCTTGTCACAGTCCAAGAGCTCTAGGAGACAGAAGGCTGGTCCCAAGAAGCCCT-3'